The following is an entry in ClinVar:

ClinVar aggregate classification (germline): Uncertain significance (1 of 4 stars; one submission).

Submission:

Labcorp Genetics (formerly Invitae), Labcorp
Classification: Uncertain significance. Last evaluated: 2021-09-01. Review status: criteria provided, single submitter. Criteria: Invitae Variant Classification Sherloc (09022015). Collection method: clinical testing. Allele origin: germline.
Comment: In summary, the available evidence is currently insufficient to determine the role of this variant in disease. Therefore, it has been classified as a Variant of Uncertain Significance. Algorithms developed to predict the effect of missense changes on protein structure and function output the following: SIFT: "Tolerated"; PolyPhen-2: "Benign"; Align-GVGD: "Class C0". The arginine amino acid residue is found in multiple mammalian species, which suggests that this missense change does not adversely affect protein function. This variant has not been reported in the literature in individuals affected with C2-related conditions. This variant is not present in population databases (ExAC no frequency). This sequence change replaces glutamine with arginine at codon 53 of the C2 protein (p.Gln53Arg). The glutamine residue is moderately conserved and there is a small physicochemical difference between glutamine and arginine.

NM_000063.6(C2):c.158A>G (p.Gln53Arg)

Gene: C2 (complement C2; plus strand). Cytogenetic location: 6p21.33.
Variant type: single nucleotide variant.
Coding change: c.158A>G on transcript NM_000063.6 (MANE Select); coding-DNA position 158, A replaced by G.
Protein change: p.Gln53Arg; replaces glutamine 53 with arginine.
Molecular consequence: missense variant. On other transcripts: genic upstream transcript variant (2), intron variant (1).
Genome position (GRCh38, 1-based): chr6:31,928,066, A>G. VCF-style: chr6-31928066-A-G. GRCh37 (hg19) VCF-style: chr6-31895843-A-G.
Other names: c.43A>G, p.Arg15Gly (NM_001282458.2); c.158A>G, p.Gln53Arg (NM_001282459.2); c.-63-5544A>G (NM_001282457.2); c.74-5544A>G (NM_001178063.3); c.46+268A>G (NM_001145903.3); short protein forms R15G, Q53R.
Identifiers: ClinVar variation 1378985 (VCV001378985.4), dbSNP rs773595474, ClinGen allele CA363488804.
Genomic context (GRCh38, chr6:31,928,066, plus strand): 5'-GCACCTTCACCCTCAGCCATGGCTGGGCTCCTGGGAGCCTTCTCACCTACTCCTGCCCCC[A>G]GGGCCTGTACCCATCCCCAGCATCACGGCTGTGCAAGAGCAGCGGACAGTGGCAGACCCC-3'
Protein context (NP_000054.2, residues 43-63): PGSLLTYSCP[Gln53Arg]GLYPSPASRL